The following is an entry in ClinVar:

ClinVar aggregate classification (germline): Conflicting classifications of pathogenicity. Review status: criteria provided, conflicting classifications (1 of 4 stars). 4 submissions from 4 submitters: Uncertain significance (3); Likely benign (1). Last evaluated 2026-10-01.

Conditions:
Tumor predisposition syndrome 3 (TPDS3). Also called: Glioma susceptibility 9; LONG TELOMERE SYNDROME, POT1-RELATED; POT1 Tumor Predisposition; Melanoma, cutaneous malignant, susceptibility to, 10. Identifiers: Orphanet 618, MedGen C4014476, MONDO:0014368, OMIM 615848.
Hereditary cancer-predisposing syndrome. Also called: Hereditary Cancer Syndrome; Neoplastic Syndromes, Hereditary; Tumor predisposition; Hereditary neoplastic syndrome. Identifiers: Orphanet 140162, MedGen C0027672, MeSH D009386, MONDO:0015356.

Allele frequency attached by ClinVar (database versions not stated): gnomAD exomes below 0.00001 and 0.00001; TOPMed 0.00001.
gnomAD v4.1: 5 of 1,613,924 alleles (0.00031%); highest among the groups gnomAD compares: Non-Finnish European, 0.00042%; no homozygotes.

Submissions (4):

St. Jude Molecular Pathology, St. Jude Children's Research Hospital
Classification: Uncertain significance for Tumor predisposition syndrome 3. Last evaluated: 2026-10-01. Review status: criteria provided, single submitter. Criteria: St. Jude Assertion Criteria 2020. Collection method: clinical testing. Allele origin: germline.
Comment: The POT1 c.1411A>C p.(Asn471His) missense change has a maximum subpopulation frequency of 0.002% in gnomAD v2.1.1. The in silico tool REVEL predicts a benign effect on protein function, but to our knowledge this prediction has not been confirmed by functional studies. To our knowledge, this variant has not been repo rted as pathogenic in individuals with POT1-associated conditions. In summary, the evidence currently available is insufficient to determine the clinical significance of this variant. It has therefore been classified as of uncertain significance.

Labcorp Genetics (formerly Invitae), Labcorp
Classification: Uncertain significance for Tumor predisposition syndrome 3. Last evaluated: 2025-10-01. Review status: criteria provided, single submitter. Criteria: Invitae Variant Classification Sherloc (09022015). Collection method: clinical testing. Allele origin: germline.
Comment: This sequence change replaces asparagine, which is neutral and polar, with histidine, which is basic and polar, at codon 471 of the POT1 protein (p.Asn471His). This variant is present in population databases (no rsID available, gnomAD 0.002%). This variant has not been reported in the literature in individuals affected with POT1-related conditions. ClinVar contains an entry for this variant (Variation ID: 642235). Invitae Evidence Modeling of protein sequence and biophysical properties (such as structural, functional, and spatial information, amino acid conservation, physicochemical variation, residue mobility, and thermodynamic stability) indicates that this missense variant is not expected to disrupt POT1 protein function with a negative predictive value of 80%. In summary, the available evidence is currently insufficient to determine the role of this variant in disease. Therefore, it has been classified as a Variant of Uncertain Significance.

Center for Genomic Medicine, Rigshospitalet, Copenhagen University Hospital
Classification: Uncertain significance. Last evaluated: 2025-03-04. Review status: criteria provided, single submitter. Criteria: ACMG Guidelines, 2015. Collection method: clinical testing. Allele origin: germline.

Ambry Genetics
Classification: Likely benign for Hereditary cancer-predisposing syndrome. Last evaluated: 2022-12-23. Review status: criteria provided, single submitter. Criteria: Ambry Variant Classification Scheme 2023. Collection method: clinical testing. Allele origin: germline.

NM_015450.3(POT1):c.1411A>C (p.Asn471His)

Gene: POT1 (protection of telomeres 1; minus strand). Cytogenetic location: 7q31.33.
Variant type: single nucleotide variant.
Coding change: c.1411A>C on transcript NM_015450.3 (MANE Select); coding-DNA position 1411, A replaced by C.
Protein change: p.Asn471His; replaces asparagine 471 with histidine.
Molecular consequence: missense variant. On other transcripts: non-coding transcript variant (3).
Genome position (GRCh38, 1-based): chr7:124,835,373, T>G on the plus strand (A>C on the coding strand, the complement: POT1 is on the minus strand). VCF-style: chr7-124835373-T-G. GRCh37 (hg19) VCF-style: chr7-124475427-T-G.
Other names: c.1018A>C, p.Asn340His (NM_001042594.2); short protein forms N340H, N471H.
Identifiers: ClinVar variation 642235 (VCV000642235.19), dbSNP rs1562977912, ClinGen allele CA369065833.